The following is an entry in ClinVar:

ClinVar aggregate classification (germline): Uncertain significance (1 of 4 stars; one submission).

gnomAD v4.1: 2 of 1,614,042 alleles (0.00012%); highest among the groups gnomAD compares: African/African-American, 0.0013%; no homozygotes.

Submission:

CeGaT Center for Human Genetics Tuebingen
Classification: Uncertain significance. Last evaluated: 2024-07-01. Review status: criteria provided, single submitter. Criteria: CeGaT Center For Human Genetics Tuebingen Variant Classification Criteria Version 2. Collection method: clinical testing. Allele origin: germline. Affected: yes. Observed: 1 variant allele.
Comment: NBAS: PM2

NM_015909.4(NBAS):c.5372T>C (p.Phe1791Ser)

Gene: NBAS (NBAS subunit of NRZ tethering complex; minus strand). Cytogenetic location: 2p24.3.
Variant type: single nucleotide variant.
Coding change: c.5372T>C on transcript NM_015909.4 (MANE Select); coding-DNA position 5372, T replaced by C.
Protein change: p.Phe1791Ser; replaces phenylalanine 1791 with serine.
Molecular consequence: missense variant. On other transcripts: non-coding transcript variant (1).
Genome position (GRCh38, 1-based): chr2:15,276,868, A>G on the plus strand (T>C on the coding strand, the complement: NBAS is on the minus strand). VCF-style: chr2-15276868-A-G. GRCh37 (hg19) VCF-style: chr2-15416992-A-G.
Other names: short protein forms F1791S.
Identifiers: ClinVar variation 3257321 (VCV003257321.17).